The following is an entry in ClinVar:

NM_005589.4(ALDH6A1):c.*2994A>C

Genes: ALDH6A1 (aldehyde dehydrogenase 6 family member A1; minus strand), BBOF1 (basal body orientation factor 1; plus strand). Cytogenetic location: 14q24.3.
Variant type: single nucleotide variant.
Coding change: c.*2994A>C on transcript NM_005589.4 (MANE Select); 2994 bases downstream of the stop codon, A replaced by C.
Molecular consequence: 3 prime UTR variant. On other transcripts: intron variant (1).
Genome position (GRCh38, 1-based): chr14:74,057,648, T>G on the plus strand (A>C on the coding strand, the complement: ALDH6A1 is on the minus strand). VCF-style: chr14-74057648-T-G. GRCh37 (hg19) VCF-style: chr14-74524351-T-G.
Other names: c.*2994A>C (NM_001278593.2, NM_001278594.2); c.1578+390T>G (NM_025057.3).
Identifiers: ClinVar variation 887990 (VCV000887990.5), dbSNP rs114251476, ClinGen allele CA7265544.

ClinVar aggregate classification (germline): Benign. Review status: criteria provided, multiple submitters, no conflicts (2 of 4 stars). 2 submissions from 2 submitters: Benign (2). Last evaluated 2018-01-13.

Conditions:
Methylmalonate semialdehyde dehydrogenase deficiency (MMSDHD). Also called: MMSDH DEFICIENCY. Identifiers: Orphanet 289307, MedGen C3279840, MONDO:0013579, OMIM 614105.

Allele frequency attached by ClinVar (database versions not stated): gnomAD exomes 0.01347; ExAC 0.01820; 1000 Genomes Project 0.03115; gnomAD 0.03245 and 0.03392; 1000 Genomes Project 30x 0.03357; TOPMed 0.03538.
gnomAD v4.1: 13,515 of 1,330,040 alleles (1%); highest among the groups gnomAD compares: African/African-American, 9.6%; 384 homozygotes.

Submissions (2):

Illumina Laboratory Services, Illumina
Classification: Benign for Methylmalonate semialdehyde dehydrogenase deficiency. Last evaluated: 2018-01-13. Review status: criteria provided, single submitter. Criteria: ICSL Variant Classification Criteria 13 December 2019. Collection method: clinical testing. Allele origin: germline.
Comment: This variant was observed in the ICSL laboratory as part of a predisposition screen in an ostensibly healthy population. It had not been previously curated by ICSL or reported in the Human Gene Mutation Database (HGMD: prior to June 1st, 2018), and was therefore a candidate for classification through an automated scoring system. Utilizing variant allele frequency, disease prevalence and penetrance estimates, and inheritance mode, an automated score was calculated to assess if this variant is too frequent to cause the disease. Based on the score and internal cut-off values, a variant classified as benign is not then subjected to further curation. The score for this variant resulted in a classification of benign for this disease.

Breakthrough Genomics
Classification: Benign. Review status: criteria provided, single submitter. Criteria: ACMG Guidelines, 2015. Collection method: not provided. Allele origin: germline. Inheritance: Autosomal recessive inheritance. Affected: yes.